The following is an entry in ClinVar:

NM_016507.4(CDK12):c.4172G>T (p.Gly1391Val)

Gene: CDK12 (cyclin dependent kinase 12; plus strand). Cytogenetic location: 17q12.
Variant type: single nucleotide variant.
Coding change: c.4172G>T on transcript NM_016507.4 (MANE Select); coding-DNA position 4172, G replaced by T.
Protein change: p.Gly1391Val; replaces glycine 1391 with valine.
Molecular consequence: missense variant.
Genome position (GRCh38, 1-based): chr17:39,531,015, G>T. VCF-style: chr17-39531015-G-T. GRCh37 (hg19) VCF-style: chr17-37687268-G-T.
Other names: c.4145G>T, p.Gly1382Val (NM_015083.4); short protein forms G1382V, G1391V.
Identifiers: ClinVar variation 3830753 (VCV003830753.1).

ClinVar aggregate classification (germline): Uncertain significance (1 of 4 stars; one submission).

gnomAD v4.1: 5 of 1,614,080 alleles (0.00031%); highest among the groups gnomAD compares: Non-Finnish European, 0.00034%; no homozygotes.

Submission:

Ambry Genetics
Classification: Uncertain significance. Last evaluated: 2025-03-05. Review status: criteria provided, single submitter. Criteria: Ambry Variant Classification Scheme 2023. Collection method: clinical testing. Allele origin: germline.
Comment: The p.G1391V variant (also known as c.4172G>T), located in coding exon 14 of the CDK12 gene, results from a G to T substitution at nucleotide position 4172. The glycine at codon 1391 is replaced by valine, an amino acid with dissimilar properties. This amino acid position is conserved. In addition, the in silico prediction for this alteration is inconclusive. Based on the available evidence, the clinical significance of this variant remains unclear.